The following is an entry in ClinVar:

NM_012418.4(FSCN2):c.55G>C (p.Asp19His)

Gene: FSCN2 (fascin actin-bundling protein 2, retinal; plus strand). Cytogenetic location: 17q25.3.
Variant type: single nucleotide variant.
Coding change: c.55G>C on transcript NM_012418.4 (MANE Select); coding-DNA position 55, G replaced by C.
Protein change: p.Asp19His; replaces aspartic acid 19 with histidine.
Molecular consequence: missense variant.
Genome position (GRCh38, 1-based): chr17:81,528,586, G>C. VCF-style: chr17-81528586-G-C. GRCh37 (hg19) VCF-style: chr17-79495612-G-C.
Other names: c.55G>C, p.Asp19His (NM_001077182.3); short protein forms D19H.
Identifiers: ClinVar variation 1982084 (VCV001982084.4), dbSNP rs781918011, ClinGen allele CA401469445.
Genomic context (GRCh38, chr17:81,528,586, plus strand): 5'-CTGAAGATGCCGACGAACGGCCTGCACCAGGTGCTGAAGATCCAGTTTGGCCTCGTCAAC[G>C]ACACTGACCGCTACCTGACAGCTGAGAGCTTCGGCTTCAAGGTCAATGCCTCGGCACCCA-3'
Protein context (NP_036550.1, residues 9-29): VLKIQFGLVN[Asp19His]TDRYLTAESF

ClinVar aggregate classification (germline): Uncertain significance (1 of 4 stars; one submission).

Submission:

Labcorp Genetics (formerly Invitae), Labcorp
Classification: Uncertain significance. Last evaluated: 2022-01-27. Review status: criteria provided, single submitter. Criteria: Invitae Variant Classification Sherloc (09022015). Collection method: clinical testing. Allele origin: germline.
Comment: In summary, the available evidence is currently insufficient to determine the role of this variant in disease. Therefore, it has been classified as a Variant of Uncertain Significance. Algorithms developed to predict the effect of missense changes on protein structure and function (SIFT, PolyPhen-2, Align-GVGD) all suggest that this variant is likely to be tolerated. This variant has not been reported in the literature in individuals affected with FSCN2-related conditions. This variant is not present in population databases (gnomAD no frequency). This sequence change replaces aspartic acid, which is acidic and polar, with histidine, which is basic and polar, at codon 19 of the FSCN2 protein (p.Asp19His).